The following is an entry in ClinVar:

ClinVar aggregate classification (germline): Likely pathogenic (1 of 4 stars; one submission).

Submission:

Labcorp Genetics (formerly Invitae), Labcorp
Classification: Likely pathogenic. Last evaluated: 2023-11-16. Review status: criteria provided, single submitter. Criteria: Invitae Variant Classification Sherloc (09022015). Collection method: clinical testing. Allele origin: germline.
Comment: This variant results in the deletion of part of exon 15 (c.2710-3_2741delins18) of the ERCC6 gene. It is expected to disrupt RNA splicing. Variants that disrupt the donor or acceptor splice site typically lead to a loss of protein function (PMID: 16199547), and loss-of-function variants in ERCC6 are known to be pathogenic (PMID: 18628313, 29572252). This variant is not present in population databases (gnomAD no frequency). This variant has not been reported in the literature in individuals affected with ERCC6-related conditions. In summary, the currently available evidence indicates that the variant is pathogenic, but additional data are needed to prove that conclusively. Therefore, this variant has been classified as Likely Pathogenic.

Literature cited by the submitters: PubMed 16199547; PubMed 18628313; PubMed 29572252.

NM_000124.4(ERCC6):c.2710-3_2741delinsAGATCTGGCTGGGAGCCA

Genes: ERCC6 (ERCC excision repair 6, chromatin remodeling factor; minus strand), LOC126860933 (BRD4-independent group 4 enhancer GRCh37_chr10:50679962-50681161; plus strand). Cytogenetic location: 10q11.23.
Variant type: Indel.
Coding change: c.2710-3_2741delinsAGATCTGGCTGGGAGCCA on transcript NM_000124.4 (MANE Select); 3 bases into the intron before coding-DNA position 2710 through coding-DNA position 2741, the reference bases replaced by AGATCTGGCTGGGAGCCA.
Molecular consequence: splice acceptor variant.
Genome position (GRCh38, 1-based): chr10:49,472,997-49,473,031, 35 bases replaced. GRCh37 (hg19): chr10:50,681,043-50,681,077.
Other names: c.2710-3_2741delinsAGATCTGGCTGGGAGCCA (NM_001346440.2).
Identifiers: ClinVar variation 2696344 (VCV002696344.3), dbSNP rs2495980915, ClinGen allele CA2697558388.
Genomic context (GRCh38, chr10:49,472,997, plus strand): 5'-GGGTCATAGATGACAACTCTGTTTGCCCCCGTCAGGTTGACACCTAAGCCGCCCACCCGC[GTGGTCAGAAGAAACACAAATATGGATGTGTCCTA>TGGCTCCCAGCCAGATCT]GAGGTAAGACACACAACACTGAGCACACACACTTAAGACCAGTTACAGTTCTCAGCCTCT-3'